The following is an entry in ClinVar:

NM_201384.3(PLEC):c.2832C>T (p.Gly944=)

Gene: PLEC (plectin; minus strand). Cytogenetic location: 8q24.3.
Variant type: single nucleotide variant.
Coding change: c.2832C>T on transcript NM_201384.3 (MANE Select); coding-DNA position 2832, C replaced by T.
Protein change: p.Gly944=; no amino-acid change (glycine 944 retained).
Molecular consequence: synonymous variant.
Genome position (GRCh38, 1-based): chr8:143,929,737, G>A on the plus strand (C>T on the coding strand, the complement: PLEC is on the minus strand). VCF-style: chr8-143929737-G-A. GRCh37 (hg19) VCF-style: chr8-145003905-G-A.
Other names: p.Gly930=; c.2913C>T, p.Gly971= (NM_000445.5); c.2790C>T, p.Gly930= (NM_201378.4); c.2766C>T, p.Gly922= (NM_201379.3); c.3243C>T, p.Gly1081= (NM_201380.4); c.2736C>T, p.Gly912= (NM_201381.3); c.2832C>T, p.Gly944= (NM_201382.4); c.2844C>T, p.Gly948= (NM_201383.3).
Identifiers: ClinVar variation 129942 (VCV000129942.22), dbSNP rs145050858, ClinGen allele CA154501.
Genomic context (GRCh38, chr8:143,929,737, plus strand): 5'-GTGGTGGCTGCAGGAGCCGTACTCGCGCTCAGCCATCAGCCGGTCCTCGGGTCCGAAGCC[G>A]CCCGCGTCCTGGCTGTCCCGCAGGAAGGCCTGGTAGTGCAGCTCCAGGCTGTGCAGGGCT-3'
Protein context (NP_958786.1, residues 934-954): QAFLRDSQDA[Gly944=]GFGPEDRLMA

ClinVar aggregate classification (germline): Benign. Review status: criteria provided, multiple submitters, no conflicts (2 of 4 stars). 7 submissions from 7 submitters: Benign (6). 1 of the submissions does not count toward it. Last evaluated 2026-01-28.

Conditions:
Epidermolysis bullosa simplex 5C, with pyloric atresia (EBS5C). Also called: PLEC-Related Epidermolysis Bullosa with Pyloric Atresia; Epidermolysis bullosa simplex with pyloric atresia; PLEC1-Related Epidermolysis Bullosa with Pyloric Atresia. Identifiers: Orphanet 158684, MedGen C2677349, MONDO:0012807, OMIM 612138.
Autosomal recessive limb-girdle muscular dystrophy type 2Q (LGMDR17). Also called: MUSCULAR DYSTROPHY, LIMB-GIRDLE, AUTOSOMAL RECESSIVE 17. Identifiers: Orphanet 254361, MedGen C3150989, MONDO:0013390, OMIM 613723.
Epidermolysis bullosa simplex with nail dystrophy (EBS5D). Identifiers: MedGen C4225309, MONDO:0014661, OMIM 616487.
Epidermolysis bullosa simplex 5B, with muscular dystrophy (EBS5B). Also called: Epidermolysis bullosa simplex with muscular dystrophy; EPIDERMOLYSIS BULLOSA SIMPLEX AND LIMB-GIRDLE MUSCULAR DYSTROPHY. Identifiers: Orphanet 257, MedGen C2931072, MONDO:0009181, OMIM 226670.
Epidermolysis bullosa simplex, Ogna type (EBS5A). Also called: Pidermolysis bullosa simplex 5A, Ogna type; EPIDERMOLYSIS BULLOSA SIMPLEX 5A, OGNA TYPE. Identifiers: Orphanet 79401, MedGen C0432317, MONDO:0007555, OMIM 131950.

Allele frequency attached by ClinVar (database versions not stated): ESP Exome Variant Server 0.00049; gnomAD exomes 0.00420 and 0.02169; gnomAD 0.00969 and 0.00974; 1000 Genomes Project 30x 0.01483; 1000 Genomes Project 0.01518; ExAC 0.01581; TOPMed 0.01610.
gnomAD v4.1: 7,466 of 1,599,052 alleles (0.47%); highest among the groups gnomAD compares: Admixed American, 12%; 535 homozygotes.

Submissions (7):

Labcorp Genetics (formerly Invitae), Labcorp
Classification: Benign for Autosomal recessive limb-girdle muscular dystrophy type 2Q; Epidermolysis bullosa simplex, Ogna type; Epidermolysis bullosa simplex with nail dystrophy; Epidermolysis bullosa simplex 5C, with pyloric atresia; Epidermolysis bullosa simplex 5B, with muscular dystrophy. Last evaluated: 2026-01-28. Review status: criteria provided, single submitter. Criteria: Invitae Variant Classification Sherloc (09022015). Collection method: clinical testing. Allele origin: germline.

Athena Diagnostics
Classification: Benign. Last evaluated: 2024-02-07. Review status: criteria provided, single submitter. Criteria: Athena Diagnostics Criteria. Collection method: clinical testing. Allele origin: unknown.

Mayo Clinic Laboratories, Mayo Clinic
Classification: Benign. Last evaluated: 2018-06-21. Review status: criteria provided, single submitter. Criteria: ACMG Guidelines, 2015. Collection method: clinical testing. Allele origin: germline. Observed: 30 variant alleles.

GeneDx
Classification: Benign. Last evaluated: 2016-01-28. Review status: criteria provided, single submitter. Criteria: GeneDx Variant Classification (06012015). Collection method: clinical testing. Allele origin: germline. Affected: yes.
Comment: This variant is considered likely benign or benign based on one or more of the following criteria: it is a conservative change, it occurs at a poorly conserved position in the protein, it is predicted to be benign by multiple in silico algorithms, and/or has population frequency not consistent with disease.

Eurofins Ntd Llc (ga)
Classification: Benign. Last evaluated: 2015-07-06. Review status: criteria provided, single submitter. Criteria: EGL Classification Definitions 2015. Collection method: clinical testing. Allele origin: germline. Observed: 2 variant alleles, 2 heterozygotes.

Breakthrough Genomics
Classification: Benign. Review status: criteria provided, single submitter. Criteria: ACMG Guidelines, 2015. Collection method: not provided. Allele origin: germline. Inheritance: Autosomal recessive inheritance. Affected: yes.

Genetic Services Laboratory, University of Chicago
Classification: Likely benign for AllHighlyPenetrant. Review status: no assertion criteria provided. Collection method: clinical testing. Allele origin: germline. Inheritance: Autosomal recessive inheritance. Not counted in ClinVar's aggregate classification.
Comment: Likely benign based on allele frequency in 1000 Genomes Project or ESP global frequency and its presence in a patient with a rare or unrelated disease phenotype. NOT Sanger confirmed.